The following is an entry in ClinVar:

NM_005609.4(PYGM):c.2494C>T (p.Arg832Cys)

Gene: PYGM (glycogen phosphorylase, muscle associated; minus strand). Cytogenetic location: 11q13.1.
Variant type: single nucleotide variant.
Coding change: c.2494C>T on transcript NM_005609.4 (MANE Select); coding-DNA position 2494, C replaced by T.
Protein change: p.Arg832Cys; replaces arginine 832 with cysteine.
Molecular consequence: missense variant.
Genome position (GRCh38, 1-based): chr11:64,746,694, G>A on the plus strand (C>T on the coding strand, the complement: PYGM is on the minus strand). VCF-style: chr11-64746694-G-A. GRCh37 (hg19) VCF-style: chr11-64514166-G-A.
Other names: c.2230C>T, p.Arg744Cys (NM_001164716.1); c.2494C>T (NM_005609.2); short protein forms R744C, R832C.
Identifiers: ClinVar variation 950481 (VCV000950481.9), dbSNP rs757670205, ClinGen allele CA6079501.
Genomic context (GRCh38, chr11:64,746,694, plus strand): 5'-CTGGTTTGGGGTCTGGTCTGGAGGCTCAGATGGCCTCATCCGGGGCTGGCAGGCGCTGGC[G>A]GGAAGGCTCCACACCCCAGATCTCCCGGGCATACTGGGCAATGGTGCGGTCACTGGAGAA-3'
Protein context (NP_005600.1, residues 822-842): AREIWGVEPS[Arg832Cys]QRLPAPDEAI

ClinVar aggregate classification (germline): Uncertain significance. Review status: criteria provided, multiple submitters, no conflicts (2 of 4 stars). 4 submissions from 4 submitters: Uncertain significance (3). 1 of the submissions does not count toward it. Last evaluated 2023-11-18.

Conditions:
Inborn genetic diseases. Identifiers: MedGen C0950123, MeSH D030342.
Glycogen storage disease, type V (GSD5). Also called: MCARDLE DISEASE; MUSCLE GLYCOGEN PHOSPHORYLASE DEFICIENCY; MYOPHOSPHORYLASE DEFICIENCY; PYGM DEFICIENCY; McArdle type glycogen storage disease. Identifiers: Orphanet 368, MedGen C0017924, MONDO:0009293, OMIM 232600.

Allele frequency attached by ClinVar (database versions not stated): ExAC 0.00001; gnomAD 0.00001; gnomAD exomes 0.00001; TOPMed 0.00003.
gnomAD v4.1: 8 of 1,614,178 alleles (0.0005%); highest among the groups gnomAD compares: Middle Eastern, 0.016%; no homozygotes.

Submissions (4):

Ambry Genetics
Classification: Uncertain significance for Inborn genetic diseases. Last evaluated: 2023-11-18. Review status: criteria provided, single submitter. Criteria: Ambry Variant Classification Scheme 2023. Collection method: clinical testing. Allele origin: germline.

Revvity Omics, Revvity
Classification: Uncertain significance for Glycogen storage disease, type V. Last evaluated: 2022-06-24. Review status: criteria provided, single submitter. Criteria: ACMG Guidelines, 2015. Collection method: clinical testing. Allele origin: germline.

Labcorp Genetics (formerly Invitae), Labcorp
Classification: Uncertain significance for Glycogen storage disease, type V. Last evaluated: 2019-07-08. Review status: criteria provided, single submitter. Criteria: Invitae Variant Classification Sherloc (09022015). Collection method: clinical testing. Allele origin: germline.
Comment: This sequence change replaces arginine with cysteine at codon 832 of the PYGM protein (p.Arg832Cys). The arginine residue is weakly conserved and there is a large physicochemical difference between arginine and cysteine. This variant is present in population databases (rs757670205, ExAC 0.002%). This variant has not been reported in the literature in individuals with PYGM-related conditions. Algorithms developed to predict the effect of missense changes on protein structure and function (SIFT, PolyPhen-2, Align-GVGD) all suggest that this variant is likely to be tolerated, but these predictions have not been confirmed by published functional studies and their clinical significance is uncertain. In summary, the available evidence is currently insufficient to determine the role of this variant in disease. Therefore, it has been classified as a Variant of Uncertain Significance.

Natera, Inc.
Classification: Uncertain significance for Glycogen storage disease V. Last evaluated: 2020-11-25. Review status: no assertion criteria provided. Collection method: clinical testing. Allele origin: germline. Not counted in ClinVar's aggregate classification.